The following is an entry in ClinVar:

NM_001065.4(TNFRSF1A):c.271G>A (p.Ala91Thr)

Gene: TNFRSF1A (TNF receptor superfamily member 1A; minus strand). Cytogenetic location: 12p13.31.
Variant type: single nucleotide variant.
Coding change: c.271G>A on transcript NM_001065.4 (MANE Select); coding-DNA position 271, G replaced by A.
Protein change: p.Ala91Thr; replaces alanine 91 with threonine.
Molecular consequence: missense variant. On other transcripts: 5 prime UTR variant (2), non-coding transcript variant (1).
Genome position (GRCh38, 1-based): chr12:6,333,788, C>T on the plus strand (G>A on the coding strand, the complement: TNFRSF1A is on the minus strand). VCF-style: chr12-6333788-C-T. GRCh37 (hg19) VCF-style: chr12-6442954-C-T.
Other names: c.-54G>A (NM_001346091.2); c.-307G>A (NM_001346092.2); short protein forms A91T.
Identifiers: ClinVar variation 856102 (VCV000856102.9), dbSNP rs1246512040, ClinGen allele CA383550535.

ClinVar aggregate classification (germline): Uncertain significance (1 of 4 stars; one submission).

Conditions:
TNF receptor-associated periodic fever syndrome (TRAPS) (FPF). Also called: TNF Receptor-Associated Periodic Fever Syndrome; FAMILIAL HIBERNIAN FEVER; TNF RECEPTOR-ASSOCIATED PERIODIC SYNDROME; TUMOR NECROSIS FACTOR RECEPTOR-ASSOCIATED PERIODIC SYNDROME; TNF receptor 1-associated periodic fever syndrome; Autosomal Dominant Familial Periodic Fever. Identifiers: Orphanet 32960, MedGen C1275126, MONDO:0007727, OMIM 142680.

Allele frequency attached by ClinVar (database versions not stated): gnomAD exomes below 0.00001; TOPMed 0.00001.
gnomAD v4.1: 1 of 1,581,564 alleles (0.000063%); highest among the groups gnomAD compares: South Asian, 0.0011%; no homozygotes.

Submission:

Labcorp Genetics (formerly Invitae), Labcorp
Classification: Uncertain significance for TNF receptor-associated periodic fever syndrome (TRAPS). Last evaluated: 2021-08-27. Review status: criteria provided, single submitter. Criteria: Invitae Variant Classification Sherloc (09022015). Collection method: clinical testing. Allele origin: germline.
Comment: In summary, the available evidence is currently insufficient to determine the role of this variant in disease. Therefore, it has been classified as a Variant of Uncertain Significance. Algorithms developed to predict the effect of missense changes on protein structure and function are either unavailable or do not agree on the potential impact of this missense change (SIFT: "Tolerated"; PolyPhen-2: "Possibly Damaging"; Align-GVGD: "Class C0"). This variant has not been reported in the literature in individuals with TNFRSF1A-related conditions. This variant is not present in population databases (ExAC no frequency). This sequence change replaces alanine with threonine at codon 91 of the TNFRSF1A protein (p.Ala91Thr). The alanine residue is moderately conserved and there is a small physicochemical difference between alanine and threonine.